The following is an entry in ClinVar:

ClinVar aggregate classification (germline): Pathogenic. Review status: criteria provided, multiple submitters, no conflicts (2 of 4 stars). 3 submissions from 3 submitters: Pathogenic (2). 1 of the submissions does not count toward it. Last evaluated 2025-11-28.

Conditions:
Sitosterolemia 2. Identifiers: MedGen C5231453, MONDO:0020748, OMIM 618666.
Sitosterolemia (STSL). Also called: PHYTOSTEROLEMIA. Identifiers: Orphanet 2882, MedGen C0342907, MONDO:0008863.

Allele frequency attached by ClinVar (database versions not stated): gnomAD exomes 0.00002; TOPMed 0.00003.
gnomAD v4.1: 41 of 1,614,064 alleles (0.0025%); highest among the groups gnomAD compares: East Asian, 0.031%; no homozygotes.

Submissions (3):

Labcorp Genetics (formerly Invitae), Labcorp
Classification: Pathogenic for Sitosterolemia. Last evaluated: 2025-11-28. Review status: criteria provided, single submitter. Criteria: Invitae Variant Classification Sherloc (09022015). Collection method: clinical testing. Allele origin: germline.
Comment: This sequence change replaces arginine, which is basic and polar, with histidine, which is basic and polar, at codon 419 of the ABCG5 protein (p.Arg419His). This variant is present in population databases (rs119479067, gnomAD 0.009%). This missense change has been observed in individual(s) with sitosterolemia (PMID: 11452359, 11855938, 21576934). In at least one individual the data is consistent with being in trans (on the opposite chromosome) from a pathogenic variant. ClinVar contains an entry for this variant (Variation ID: 4978). An algorithm developed to predict the effect of missense changes on protein structure and function (PolyPhen-2) suggests that this variant is likely to be disruptive. For these reasons, this variant has been classified as Pathogenic.

Revvity Omics, Revvity
Classification: Pathogenic for Sitosterolemia 2. Last evaluated: 2023-11-01. Review status: criteria provided, single submitter. Criteria: ACMG Guidelines, 2015. Collection method: clinical testing. Allele origin: germline.

OMIM
Classification: Pathogenic for SITOSTEROLEMIA 2. Last evaluated: 2001-01-01. Review status: no assertion criteria provided. Collection method: literature only. Allele origin: germline. Not counted in ClinVar's aggregate classification.

Literature cited by the submitters: PubMed 11452359 (cited by Labcorp Genetics (formerly Invitae), Labcorp); PubMed 11855938 (cited by Labcorp Genetics (formerly Invitae), Labcorp); PubMed 21576934 (cited by Labcorp Genetics (formerly Invitae), Labcorp); PubMed 11138003 (cited by OMIM).

NM_022436.3(ABCG5):c.1256G>A (p.Arg419His)

Genes: ABCG5 (ATP binding cassette subfamily G member 5; minus strand), DYNC2LI1 (dynein cytoplasmic 2 light intermediate chain 1; plus strand). Cytogenetic location: 2p21.
Variant type: single nucleotide variant.
Coding change: c.1256G>A on transcript NM_022436.3 (MANE Select); coding-DNA position 1256, G replaced by A.
Protein change: p.Arg419His; replaces arginine 419 with histidine.
Molecular consequence: missense variant. On other transcripts: intron variant (2).
Genome position (GRCh38, 1-based): chr2:43,823,981, C>T on the plus strand (G>A on the coding strand, the complement: ABCG5 is on the minus strand). VCF-style: chr2-43823981-C-T. GRCh37 (hg19) VCF-style: chr2-44051120-C-T.
Other names: c.*16-3405C>T (NM_001348913.2, NM_001348912.2); short protein forms R419H.
Identifiers: ClinVar variation 4978 (VCV000004978.5), dbSNP rs119479067, ClinGen allele CA253374.